The following is an entry in ClinVar:

ClinVar aggregate classification (germline): Likely pathogenic (1 of 4 stars; one submission).

Conditions:
DNAH5-related disorder. Also called: DNAH5-related condition.

Submission:

PreventionGenetics, part of Exact Sciences
Classification: Likely pathogenic for DNAH5-related condition. Last evaluated: 2023-09-05. Review status: criteria provided, single submitter. Criteria: ACMG Guidelines, 2015. Collection method: clinical testing. Allele origin: germline.
Comment: The DNAH5 c.12072T>A variant is predicted to result in premature protein termination (p.Tyr4024*). To our knowledge, this variant has not been reported in the literature or in a large population database, indicating this variant is rare. Nonsense variants in DNAH5 are expected to be pathogenic. This variant is interpreted as likely pathogenic.

NM_001369.3(DNAH5):c.12072T>A (p.Tyr4024Ter)

Gene: DNAH5 (dynein axonemal heavy chain 5; minus strand). Cytogenetic location: 5p15.2.
Variant type: single nucleotide variant.
Coding change: c.12072T>A on transcript NM_001369.3 (MANE Select); coding-DNA position 12072, T replaced by A.
Protein change: p.Tyr4024Ter; replaces tyrosine 4024 with a stop codon.
Molecular consequence: nonsense.
Genome position (GRCh38, 1-based): chr5:13,721,207, A>T on the plus strand (T>A on the coding strand, the complement: DNAH5 is on the minus strand). VCF-style: chr5-13721207-A-T. GRCh37 (hg19) VCF-style: chr5-13721316-A-T.
Other names: short protein forms Y4024*.
Identifiers: ClinVar variation 2630883 (VCV002630883.1), dbSNP rs1375859408, ClinGen allele CA359214768.